The following is an entry in ClinVar:

ClinVar aggregate classification (germline): Uncertain significance (1 of 4 stars; one submission).

Conditions:
Early-infantile DEE. Also called: Ohtahara syndrome; Early infantile epileptic encephalopathy; Early infantile epileptic encephalopathy with suppression bursts. Identifiers: Orphanet 1934, MedGen C0393706, MONDO:0800491.

Submission:

Labcorp Genetics (formerly Invitae), Labcorp
Classification: Uncertain significance for Early-infantile DEE. Last evaluated: 2022-09-01. Review status: criteria provided, single submitter. Criteria: Invitae Variant Classification Sherloc (09022015). Collection method: clinical testing. Allele origin: germline.
Comment: This sequence change replaces serine, which is neutral and polar, with asparagine, which is neutral and polar, at codon 1232 of the SCN1A protein (p.Ser1232Asn). This variant is not present in population databases (gnomAD no frequency). This variant has not been reported in the literature in individuals affected with SCN1A-related conditions. Advanced modeling of protein sequence and biophysical properties (such as structural, functional, and spatial information, amino acid conservation, physicochemical variation, residue mobility, and thermodynamic stability) performed at Invitae indicates that this missense variant is expected to disrupt SCN1A protein function. In summary, the available evidence is currently insufficient to determine the role of this variant in disease. Therefore, it has been classified as a Variant of Uncertain Significance.

NM_001165963.4(SCN1A):c.3695G>A (p.Ser1232Asn)

Genes: SCN1A (sodium voltage-gated channel alpha subunit 1; minus strand), LOC102724058 (uncharacterized LOC102724058; plus strand). Cytogenetic location: 2q24.3.
Variant type: single nucleotide variant.
Coding change: c.3695G>A on transcript NM_001165963.4 (MANE Select); coding-DNA position 3695, G replaced by A.
Protein change: p.Ser1232Asn; replaces serine 1232 with asparagine.
Molecular consequence: missense variant. On other transcripts: non-coding transcript variant (1).
Genome position (GRCh38, 1-based): chr2:166,013,754, C>T on the plus strand (G>A on the coding strand, the complement: SCN1A is on the minus strand). VCF-style: chr2-166013754-C-T. GRCh37 (hg19) VCF-style: chr2-166870264-C-T.
Other names: c.3611G>A, p.Ser1204Asn (NM_001165964.3, NM_001353958.2, NM_001353957.2); c.3608G>A, p.Ser1203Asn (NM_001353960.2); c.1253G>A, p.Ser418Asn (NM_001353961.2); c.3662G>A, p.Ser1221Asn (NM_006920.6, NM_001353949.2, NM_001353950.2 and 2 more transcripts); c.3695G>A, p.Ser1232Asn (NM_001202435.3, NM_001353948.2); c.3659G>A, p.Ser1220Asn (NM_001353954.2, NM_001353955.2); short protein forms S1220N, S1204N, S1232N, S1221N, S1203N, S418N.
Identifiers: ClinVar variation 1994945 (VCV001994945.4), dbSNP rs2468530701, ClinGen allele CA349055670.